The following is an entry in ClinVar:

ClinVar aggregate classification (germline): Uncertain significance (1 of 4 stars; one submission).

Conditions:
Cardiomyopathy (CMYO). Also called: Cardiomyopathies. Identifiers: Orphanet 167848, MedGen C0878544, MONDO:0004994, HP:0001638. Inheritance: Various modes of inheritance.

gnomAD v4.1: 3 of 1,612,378 alleles (0.00019%); highest among the groups gnomAD compares: Non-Finnish European, 0.00025%; no homozygotes.

Submission:

Color Diagnostics, LLC DBA Color Health
Classification: Uncertain significance for Cardiomyopathy. Last evaluated: 2024-03-31. Review status: criteria provided, single submitter. Criteria: ACMG Guidelines, 2015. Collection method: clinical testing. Allele origin: germline.
Comment: This missense variant replaces threonine with arginine at codon 2853 of the DSP protein. Computational prediction suggests that this variant may not impact protein structure and function (internally defined REVEL score threshold <= 0.5, PMID: 27666373). To our knowledge, functional studies have not been reported for this variant. This variant has not been reported in individuals affected with DSP-related disorders in the literature. This variant has not been identified in the general population by the Genome Aggregation Database (gnomAD). The available evidence is insufficient to determine the role of this variant in disease conclusively. Therefore, this variant is classified as a Variant of Uncertain Significance.

NM_004415.4(DSP):c.8558C>G (p.Thr2853Arg)

Gene: DSP (desmoplakin; plus strand). Cytogenetic location: 6p24.3.
Variant type: single nucleotide variant.
Coding change: c.8558C>G on transcript NM_004415.4 (MANE Select); coding-DNA position 8558, C replaced by G.
Protein change: p.Thr2853Arg; replaces threonine 2853 with arginine.
Molecular consequence: missense variant.
Genome position (GRCh38, 1-based): chr6:7,585,820, C>G. VCF-style: chr6-7585820-C-G. GRCh37 (hg19) VCF-style: chr6-7586053-C-G.
Other names: c.6761C>G, p.Thr2254Arg (NM_001008844.3); c.7229C>G, p.Thr2410Arg (NM_001319034.2); short protein forms T2254R, T2410R, T2853R.
Identifiers: ClinVar variation 3893708 (VCV003893708.1).